The following is an entry in ClinVar:

ClinVar aggregate classification (germline): Uncertain significance (1 of 4 stars; one submission).

Allele frequency attached by ClinVar (database versions not stated): gnomAD exomes below 0.00001.
gnomAD v4.1: 6 of 1,612,112 alleles (0.00037%); highest among the groups gnomAD compares: Non-Finnish European, 0.00042%; no homozygotes.

Submission:

Labcorp Genetics (formerly Invitae), Labcorp
Classification: Uncertain significance. Last evaluated: 2024-08-13. Review status: criteria provided, single submitter. Criteria: Invitae Variant Classification Sherloc (09022015). Collection method: clinical testing. Allele origin: germline.
Comment: This sequence change affects codon 229 of the LRP5 mRNA. It is a 'silent' change, meaning that it does not change the encoded amino acid sequence of the LRP5 protein. It affects a nucleotide within the consensus splice site. This variant is not present in population databases (gnomAD no frequency). This variant has not been reported in the literature in individuals affected with LRP5-related conditions. ClinVar contains an entry for this variant (Variation ID: 1435627). Algorithms developed to predict the effect of sequence changes on RNA splicing suggest that this variant is not likely to affect RNA splicing. In summary, the available evidence is currently insufficient to determine the role of this variant in disease. Therefore, it has been classified as a Variant of Uncertain Significance.

NM_002335.4(LRP5):c.687G>A (p.Arg229=)

Gene: LRP5 (LDL receptor related protein 5; plus strand). Cytogenetic location: 11q13.2.
Variant type: single nucleotide variant.
Coding change: c.687G>A on transcript NM_002335.4 (MANE Select); coding-DNA position 687, G replaced by A.
Protein change: p.Arg229=; no amino-acid change (arginine 229 retained).
Molecular consequence: synonymous variant. On other transcripts: 5 prime UTR variant (1).
Genome position (GRCh38, 1-based): chr11:68,363,747, G>A. VCF-style: chr11-68363747-G-A. GRCh37 (hg19) VCF-style: chr11-68131215-G-A.
Other names: c.-1079G>A (NM_001291902.2).
Identifiers: ClinVar variation 1435627 (VCV001435627.8), dbSNP rs1236127555, ClinGen allele CA475460223.